The following is an entry in ClinVar:

ClinVar aggregate classification (germline): Likely benign (0 of 4 stars; one submission).

Conditions:
BPTF-related disorder. Also called: BPTF-related condition.

Allele frequency attached by ClinVar (database versions not stated): TOPMed below 0.00001.

Submission:

PreventionGenetics, part of Exact Sciences
Classification: Likely benign for BPTF-related condition. Last evaluated: 2022-06-16. Review status: no assertion criteria provided. Collection method: clinical testing. Allele origin: germline.
Comment: This variant is classified as likely benign based on ACMG/AMP sequence variant interpretation guidelines (Richards et al. 2015 PMID: 25741868, with internal and published modifications).

NM_182641.4(BPTF):c.5568A>C (p.Thr1856=)

Gene: BPTF (bromodomain PHD finger transcription factor; plus strand). Cytogenetic location: 17q24.2.
Variant type: single nucleotide variant.
Coding change: c.5568A>C on transcript NM_182641.4 (MANE Select); coding-DNA position 5568, A replaced by C.
Protein change: p.Thr1856=; no amino-acid change (threonine 1856 retained).
Molecular consequence: synonymous variant.
Genome position (GRCh38, 1-based): chr17:67,922,850, A>C. VCF-style: chr17-67922850-A-C. GRCh37 (hg19) VCF-style: chr17-65918966-A-C.
Other names: c.5946A>C, p.Thr1982= (NM_004459.7).
Identifiers: ClinVar variation 3055338 (VCV003055338.2), dbSNP rs2063550199, ClinGen allele CA501512953.
Genomic context (GRCh38, chr17:67,922,850, plus strand): 5'-TTAATTTTAGAAGCAATATTGCTTAAAATATTCTGATTTCCTTTCCAAAGAAACGCCTAC[A>C]CCTCAGAGGAAAGGCCTTCGATCAAGTGCACTGCGGCCAAAGAGACCAGAAACGCCCAAG-3'
Protein context (NP_872579.2, residues 1846-1866): GVPETPKETP[Thr1856=]PQRKGLRSSA